The following is an entry in ClinVar:

ClinVar aggregate classification (germline): Uncertain significance (1 of 4 stars; one submission).

Conditions:
Megaconial type congenital muscular dystrophy (MDCMC). Also called: CHKB-Related Muscle Diseases; MUSCULAR DYSTROPHY, CONGENITAL, WITH MITOCHONDRIAL STRUCTURAL ABNORMALITIES; CHKB-Related Muscular Dystrophy. Identifiers: Orphanet 280671, MedGen C1865233, MONDO:0011246, OMIM 602541.

Allele frequency attached by ClinVar (database versions not stated): gnomAD exomes below 0.00001; TOPMed below 0.00001.
gnomAD v4.1: 1 of 1,613,310 alleles (0.000062%); highest among the groups gnomAD compares: Non-Finnish European, 0.000085%; no homozygotes.

Submission:

Labcorp Genetics (formerly Invitae), Labcorp
Classification: Uncertain significance for Megaconial type congenital muscular dystrophy. Last evaluated: 2025-08-18. Review status: criteria provided, single submitter. Criteria: Invitae Variant Classification Sherloc (09022015). Collection method: clinical testing. Allele origin: germline.
Comment: This sequence change replaces glutamic acid, which is acidic and polar, with lysine, which is basic and polar, at codon 193 of the CHKB protein (p.Glu193Lys). This variant is not present in population databases (gnomAD no frequency). This variant has not been reported in the literature in individuals affected with CHKB-related conditions. ClinVar contains an entry for this variant (Variation ID: 468475). Invitae Evidence Modeling of protein sequence and biophysical properties (such as structural, functional, and spatial information, amino acid conservation, physicochemical variation, residue mobility, and thermodynamic stability) indicates that this missense variant is not expected to disrupt CHKB protein function with a negative predictive value of 80%. In summary, the available evidence is currently insufficient to determine the role of this variant in disease. Therefore, it has been classified as a Variant of Uncertain Significance.

NM_005198.5(CHKB):c.577G>A (p.Glu193Lys)

Genes: CHKB-CPT1B (CHKB-CPT1B readthrough (NMD candidate); minus strand), CHKB (choline kinase beta; minus strand). Cytogenetic location: 22q13.33.
Variant type: single nucleotide variant.
Coding change: c.577G>A on transcript NM_005198.5 (MANE Select); coding-DNA position 577, G replaced by A.
Protein change: p.Glu193Lys; replaces glutamic acid 193 with lysine.
Molecular consequence: missense variant. On other transcripts: non-coding transcript variant (1).
Genome position (GRCh38, 1-based): chr22:50,581,424, C>T on the plus strand (G>A on the coding strand, the complement: CHKB is on the minus strand). VCF-style: chr22-50581424-C-T. GRCh37 (hg19) VCF-style: chr22-51019853-C-T.
Other names: short protein forms E193K.
Identifiers: ClinVar variation 468475 (VCV000468475.8), dbSNP rs1555894697, ClinGen allele CA412200240.
Genomic context (GRCh38, chr22:50,581,424, plus strand): 5'-CTGGCATGGAGGTTCAGCTCAGGAGTACAGGAGCCCTGAGGAGGCTCCTGACTCACCGCT[C>T]CATGGTCCCAAACAGCCAGTGGGGCTCCTTGGTGAAAGGCATCTCCATGCCATGAAATTG-3'
Protein context (NP_005189.2, residues 183-203): KEPHWLFGTM[Glu193Lys]RYLKQIQDLP